The following is an entry in ClinVar:

ClinVar aggregate classification (germline): Uncertain significance. Review status: criteria provided, multiple submitters, no conflicts (2 of 4 stars). 2 submissions from 2 submitters: Uncertain significance (2). Last evaluated 2022-04-27.

Conditions:
Anauxetic dysplasia. Identifiers: Orphanet 93347, MedGen C1846796, MONDO:0011773.

Allele frequency attached by ClinVar (database versions not stated): gnomAD 0.00001; gnomAD exomes 0.00001; TOPMed 0.00001.
gnomAD v4.1: 11 of 700,338 alleles (0.0016%); highest among the groups gnomAD compares: Non-Finnish European, 0.0026%; no homozygotes.

Submissions (2):

Labcorp Genetics (formerly Invitae), Labcorp
Classification: Uncertain significance for Anauxetic dysplasia. Last evaluated: 2022-04-27. Review status: criteria provided, single submitter. Criteria: Invitae Variant Classification Sherloc (09022015). Collection method: clinical testing. Allele origin: germline.
Comment: This variant occurs in the RMRP gene, which encodes an RNA molecule that does not result in a protein product. This variant is present in population databases (no rsID available, gnomAD 0.002%). This variant has not been reported in the literature in individuals affected with RMRP-related conditions. Experimental studies and prediction algorithms are not available or were not evaluated, and the functional significance of this variant is currently unknown. In summary, the available evidence is currently insufficient to determine the role of this variant in disease. Therefore, it has been classified as a Variant of Uncertain Significance.

Blueprint Genetics
Classification: Uncertain significance. Last evaluated: 2021-02-15. Review status: criteria provided, single submitter. Criteria: ACMG Guidelines, 2015. Collection method: clinical testing. Allele origin: germline.

NC_000009.12:g.35657976G>A

Gene: RMRP (RNA component of mitochondrial RNA processing endoribonuclease; minus strand). Cytogenetic location: 9p13.3.
Variant type: single nucleotide variant.
Genome position: GRCh38 VCF-style: chr9-35657976-G-A. GRCh37 (hg19) VCF-style: chr9-35657973-G-A.
Identifiers: ClinVar variation 1436445 (VCV001436445.4), dbSNP rs981913573, ClinGen allele CA192745691.